The following is an entry in ClinVar:

NM_021076.4(NEFH):c.358G>A (p.Ala120Thr)

Gene: NEFH (neurofilament heavy chain; plus strand). Cytogenetic location: 22q12.2.
Variant type: single nucleotide variant.
Coding change: c.358G>A on transcript NM_021076.4 (MANE Select); coding-DNA position 358, G replaced by A.
Protein change: p.Ala120Thr; replaces alanine 120 with threonine.
Molecular consequence: missense variant.
Genome position (GRCh38, 1-based): chr22:29,480,620, G>A. VCF-style: chr22-29480620-G-A. GRCh37 (hg19) VCF-style: chr22-29876609-G-A.
Other names: short protein forms A120T.
Identifiers: ClinVar variation 1387243 (VCV001387243.6), dbSNP rs1386911340, ClinGen allele CA411122692.

ClinVar aggregate classification (germline): Uncertain significance (1 of 4 stars; one submission).

Allele frequency attached by ClinVar (database versions not stated): gnomAD exomes 0.00001; TOPMed 0.00001.

Submission:

Labcorp Genetics (formerly Invitae), Labcorp
Classification: Uncertain significance. Last evaluated: 2023-11-09. Review status: criteria provided, single submitter. Criteria: Invitae Variant Classification Sherloc (09022015). Collection method: clinical testing. Allele origin: germline.
Comment: This sequence change replaces alanine, which is neutral and non-polar, with threonine, which is neutral and polar, at codon 120 of the NEFH protein (p.Ala120Thr). This variant is not present in population databases (gnomAD no frequency). This variant has not been reported in the literature in individuals affected with NEFH-related conditions. ClinVar contains an entry for this variant (Variation ID: 1387243). Advanced modeling of protein sequence and biophysical properties (such as structural, functional, and spatial information, amino acid conservation, physicochemical variation, residue mobility, and thermodynamic stability) performed at Invitae indicates that this missense variant is not expected to disrupt NEFH protein function with a negative predictive value of 95%. In summary, the available evidence is currently insufficient to determine the role of this variant in disease. Therefore, it has been classified as a Variant of Uncertain Significance.